The following is an entry in ClinVar:

ClinVar aggregate classification (germline): Uncertain significance. Review status: criteria provided, single submitter (1 of 4 stars). 2 submissions from 2 submitters: Uncertain significance (1). 1 of the submissions does not count toward it. Last evaluated 2023-02-04.

Conditions:
Hereditary breast ovarian cancer syndrome. Also called: Hereditary breast and ovarian cancer syndrome; Hereditary breast and ovarian cancer; Hereditary breast and ovarian cancer syndrome (HBOC); Breast and ovarian cancer; Hereditary breast and/or ovarian cancer syndrome; BRCA1- and BRCA2-Associated Hereditary Breast and Ovarian Cancer. Identifiers: Orphanet 145, MedGen C0677776, MeSH D061325, MONDO:0003582. Disease mechanism: loss of function.
Familial cancer of breast. Also called: BREAST CANCER, FAMILIAL; Hereditary breast cancer; hereditary breast carcinoma. Identifiers: Orphanet 227535, MedGen C0346153, MONDO:0016419, OMIM 114480. Disease mechanism: loss of function.

Submissions (2):

Labcorp Genetics (formerly Invitae), Labcorp
Classification: Uncertain significance for Hereditary breast ovarian cancer syndrome. Last evaluated: 2023-02-04. Review status: criteria provided, single submitter. Criteria: Invitae Variant Classification Sherloc (09022015). Collection method: clinical testing. Allele origin: germline.
Comment: This variant is not present in population databases (gnomAD no frequency). This sequence change replaces serine, which is neutral and polar, with proline, which is neutral and non-polar, at codon 76 of the BRCA2 protein (p.Ser76Pro). This missense change has been observed in individual(s) with a personal and family history of breast and/or ovarian cancer (PMID: 21318380). In summary, the available evidence is currently insufficient to determine the role of this variant in disease. Therefore, it has been classified as a Variant of Uncertain Significance. Advanced modeling of protein sequence and biophysical properties (such as structural, functional, and spatial information, amino acid conservation, physicochemical variation, residue mobility, and thermodynamic stability) performed at Invitae indicates that this missense variant is not expected to disrupt BRCA2 protein function. ClinVar contains an entry for this variant (Variation ID: 51263).

ClinVar Staff, National Center for Biotechnology Information (NCBI)
No classification provided. Condition: Familial cancer of breast. Review status: no classification provided. Collection method: literature only. Allele origin: germline. Affected: yes. Not counted in ClinVar's aggregate classification.

Literature cited by the submitters: PubMed 21318380 (cited by Labcorp Genetics (formerly Invitae), Labcorp and ClinVar Staff, National Center for Biotechnology Information (NCBI)).

NM_000059.4(BRCA2):c.226T>C (p.Ser76Pro)

Gene: BRCA2 (BRCA2 DNA repair associated; plus strand). Cytogenetic location: 13q13.1.
Variant type: single nucleotide variant.
Coding change: c.226T>C on transcript NM_000059.4 (MANE Select); coding-DNA position 226, T replaced by C.
Protein change: p.Ser76Pro; replaces serine 76 with proline.
Molecular consequence: missense variant.
Genome position (GRCh38, 1-based): chr13:32,319,235, T>C. VCF-style: chr13-32319235-T-C. GRCh37 (hg19) VCF-style: chr13-32893372-T-C.
Other names: short protein forms S76P.
Identifiers: ClinVar variation 51263 (VCV000051263.11), dbSNP rs397507622, ClinGen allele CA014810.